The following is an entry in ClinVar:

NM_001009944.3(PKD1):c.10617A>G (p.Thr3539=)

Genes: PKD1-AS1 (PKD1 antisense RNA 1; plus strand), PKD1 (polycystin 1, transient receptor potential channel interacting; minus strand). Cytogenetic location: 16p13.3.
Variant type: single nucleotide variant.
Coding change: c.10617A>G on transcript NM_001009944.3 (MANE Select); coding-DNA position 10617, A replaced by G.
Protein change: p.Thr3539=; no amino-acid change (threonine 3539 retained).
Molecular consequence: synonymous variant.
Genome position (GRCh38, 1-based): chr16:2,094,093, T>C on the plus strand (A>G on the coding strand, the complement: PKD1 is on the minus strand). VCF-style: chr16-2094093-T-C. GRCh37 (hg19) VCF-style: chr16-2144094-T-C.
Other names: c.10614A>G, p.Thr3538= (NM_000296.4).
Identifiers: ClinVar variation 4854971 (VCV004854971.1).
Genomic context (GRCh38, chr16:2,094,093, plus strand): 5'-CCTGTGAGAGGCAGCTCACAGGGAGGGGCTAGGGGCATCCCGGGGCTACGCAAGCACACC[T>C]GTCCTGGACAGCCTCGCTGCCTGGGGCTGTTCCCAGTTCAGGCCTGGGCTGGGTGGCCCC-3'
Protein context (NP_001009944.3, residues 3529-3549): EQPQAARLSR[Thr3539=]GLVEGLRKRL

ClinVar aggregate classification (germline): Uncertain significance (1 of 4 stars; one submission).

Conditions:
Polycystic kidney disease, adult type (PKD1). Also called: Polycystic Kidney, Autosomal Dominant; POLYCYSTIC KIDNEY DISEASE, ADULT, TYPE I; Polycystic Kidney Disease 1, Autosomal Dominant; Polycystic kidney disease 1; Polycystic kidney disease 1, severe; POLYCYSTIC KIDNEY DISEASE 1 WITH OR WITHOUT POLYCYSTIC LIVER DISEASE. Identifiers: MedGen C3149841, MONDO:0008263, OMIM 173900.

Submission:

3billion
Classification: Uncertain significance for Polycystic kidney disease, adult type. Last evaluated: 2025-12-14. Review status: criteria provided, single submitter. Criteria: ACMG Guidelines, 2015. Collection method: clinical testing. Allele origin: germline. Affected: yes.
Comment: The variant is not observed in the gnomAD v4.1.0 dataset. Predicted Consequence/Location: Synonymous variant In silico tools predict the variant to alter splicing and produce an abnormal transcript [SpliceAI: 0.87 (>=0.2, moderate evidence for spliceogenicity)]. The variant has been reported as of uncertain significance (PMID: 38527221). Therefore, this variant is classified as VUS according to the recommendation of ACMG/AMP guideline.